The following is an entry in ClinVar:

NM_020738.4(KIDINS220):c.3681G>A (p.Gln1227=)

Gene: KIDINS220 (kinase D interacting substrate 220; minus strand). Cytogenetic location: 2p25.1.
Variant type: single nucleotide variant.
Coding change: c.3681G>A on transcript NM_020738.4 (MANE Select); coding-DNA position 3681, G replaced by A.
Protein change: p.Gln1227=; no amino-acid change (glutamine 1227 retained).
Molecular consequence: synonymous variant. On other transcripts: non-coding transcript variant (2).
Genome position (GRCh38, 1-based): chr2:8,736,904, C>T on the plus strand (G>A on the coding strand, the complement: KIDINS220 is on the minus strand). VCF-style: chr2-8736904-C-T. GRCh37 (hg19) VCF-style: chr2-8877034-C-T.
Other names: c.3681G>A (NM_020738.2); c.3684G>A, p.Gln1228= (NM_001348729.2); c.3627G>A, p.Gln1209= (NM_001348731.2); c.3624G>A, p.Gln1208= (NM_001348732.2, NM_001348738.2); c.3513G>A, p.Gln1171= (NM_001348734.2, NM_001348739.2, NM_001348740.2); c.3510G>A, p.Gln1170= (NM_001348735.2, NM_001348741.2, NM_001348742.2 and 1 more transcripts); c.3384G>A, p.Gln1128= (NM_001348736.2).
Identifiers: ClinVar variation 2957333 (VCV002957333.5), dbSNP rs778342992, ClinGen allele CA1519561.

ClinVar aggregate classification (germline): Likely benign. Review status: criteria provided, multiple submitters, no conflicts (2 of 4 stars). 3 submissions from 3 submitters: Likely benign (3). Last evaluated 2026-02-17.

Conditions:
KIDINS220-related disorder. Also called: KIDINS220-related condition.

Allele frequency attached by ClinVar (database versions not stated): gnomAD 0.00001; TOPMed 0.00002; ExAC 0.00004.
gnomAD v4.1: 32 of 1,614,096 alleles (0.002%); highest among the groups gnomAD compares: Middle Eastern, 0.033%; no homozygotes.

Submissions (3):

Women's Health and Genetics/Laboratory Corporation of America, LabCorp
Classification: Likely benign. Last evaluated: 2026-02-17. Review status: criteria provided, single submitter. Criteria: LabCorp Variant Classification Summary - May 2015. Collection method: clinical testing. Allele origin: germline.

PreventionGenetics, part of Exact Sciences
Classification: Likely benign for KIDINS220-related condition. Last evaluated: 2025-08-15. Review status: criteria provided, single submitter. Criteria: ACMG Guidelines, 2015. Collection method: clinical testing. Allele origin: germline.
Comment: This variant is classified as likely benign based on ACMG/AMP sequence variant interpretation guidelines (Richards et al. 2015 PMID: 25741868, with internal and published modifications).

Labcorp Genetics (formerly Invitae), Labcorp
Classification: Likely benign. Last evaluated: 2024-06-03. Review status: criteria provided, single submitter. Criteria: Invitae Variant Classification Sherloc (09022015). Collection method: clinical testing. Allele origin: germline.